The following is an entry in ClinVar:

ClinVar aggregate classification (germline): Uncertain significance (1 of 4 stars; one submission).

Submission:

GeneDx
Classification: Uncertain significance. Last evaluated: 2019-05-21. Review status: criteria provided, single submitter. Criteria: GeneDx Variant Classification Process June 2021. Collection method: clinical testing. Allele origin: germline. Affected: yes.
Comment: Not observed in large population cohorts (Lek et al., 2016); In silico analysis, which includes protein predictors and evolutionary conservation, supports that this variant does not alter protein structure/function; Has not been previously published as pathogenic or benign to our knowledge; Variants in candidate genes are classified as variants of uncertain significance in accordance with ACMG guidelines (Richards et al., 2015)

NM_014712.3(SETD1A):c.609G>T (p.Lys203Asn)

Gene: SETD1A (SET domain containing 1A, histone lysine methyltransferase; plus strand). Cytogenetic location: 16p11.2.
Variant type: single nucleotide variant.
Coding change: c.609G>T on transcript NM_014712.3 (MANE Select); coding-DNA position 609, G replaced by T.
Protein change: p.Lys203Asn; replaces lysine 203 with asparagine.
Molecular consequence: missense variant.
Genome position (GRCh38, 1-based): chr16:30,963,524, G>T. VCF-style: chr16-30963524-G-T. GRCh37 (hg19) VCF-style: chr16-30974845-G-T.
Other names: short protein forms K203N.
Identifiers: ClinVar variation 1315640 (VCV001315640.2), dbSNP rs1403203197, ClinGen allele CA395649608.
Genomic context (GRCh38, chr16:30,963,524, plus strand): 5'-TGTCAATGGCTCCTACACCCCTCAGACTGTGCCCACTGGGGGCAAGGCCCTGAGTGAGAA[G>T]TTCCAAGGCTCGGGTGCAGCCACTGAGACGGTGAGAAGTTTGTGGCTACCACAGCCCCTA-3'
Protein context (NP_055527.1, residues 193-213): VPTGGKALSE[Lys203Asn]FQGSGAATET